The following is an entry in ClinVar:

ClinVar aggregate classification (germline): Likely pathogenic. Review status: criteria provided, multiple submitters, no conflicts (2 of 4 stars). 2 submissions from 2 submitters: Likely pathogenic (2). Last evaluated 2023-06-26.

Conditions:
Familial cancer of breast. Also called: Hereditary breast cancer; BREAST CANCER, FAMILIAL; hereditary breast carcinoma. Identifiers: Orphanet 227535, MedGen C0346153, MONDO:0016419, OMIM 114480. Disease mechanism: loss of function.

Submissions (2):

Myriad Genetics, Inc.
Classification: Likely pathogenic for Familial cancer of breast. Last evaluated: 2023-06-26. Review status: criteria provided, single submitter. Criteria: Myriad Autosomal Dominant, Autosomal Recessive and X-Linked Classification Criteria (2023). Collection method: clinical testing. Allele origin: unknown.
Comment: This variant is considered likely pathogenic. This variant occurs within a consensus splice junction and is predicted to result in abnormal mRNA splicing of either an out-of-frame exon or an in-frame exon necessary for protein stability and/or normal function.

Baylor Genetics
Classification: Likely pathogenic for Familial cancer of breast. Last evaluated: 2022-04-29. Review status: criteria provided, single submitter. Criteria: ACMG Guidelines, 2015. Collection method: clinical testing. Allele origin: unknown.

NM_007194.4(CHEK2):c.681_683+1del

Gene: CHEK2 (checkpoint kinase 2; minus strand). Cytogenetic location: 22q12.1.
Variant type: Deletion.
Coding change: c.681_683+1del on transcript NM_007194.4 (MANE Select); coding-DNA position 681 through the canonical splice donor site of the intron after coding-DNA position 683, 4 bases deleted (AAGG; older notation c.681_683+1delAAGG).
Molecular consequence: splice donor variant. On other transcripts: intron variant (1).
Genome position (GRCh38, 1-based): chr22:28,719,394-28,719,397, CCTT deleted on the plus strand (AAGG on the coding strand, the reverse complement: CHEK2 is on the minus strand); deleting any 4 consecutive bases within chr22:28,719,394-28,719,399 gives the same sequence; the c. name uses the placement nearest the transcript's 3' end. VCF-style (leftmost placement, unchanged base first): chr22-28719393-ACCTT-A. GRCh37 (hg19) VCF-style: chr22-29115381-ACCTT-A.
Other names: c.18_20+1del (NM_001437942.1, NM_001257387.3); c.482+5489_482+5492del (NM_001349956.3); c.681_683+1del (NM_145862.3); c.774_776+1del (NM_001438295.1, NM_001438293.1); c.810_812+1del (NM_001438294.1, NM_001005735.3).
Identifiers: ClinVar variation 2583229 (VCV002583229.3), dbSNP rs2518007966, ClinGen allele CA2582342738.